The following is an entry in ClinVar:

ClinVar aggregate classification (germline): Pathogenic (1 of 4 stars; one submission).

Conditions:
Severe combined immunodeficiency due to DCLRE1C deficiency (RS-SCID). Also called: SCID, AUTOSOMAL RECESSIVE, T CELL-NEGATIVE, B CELL-NEGATIVE, NK CELL-POSITIVE, WITH SENSITIVITY TO IONIZING RADIATION. Identifiers: Orphanet 275, MedGen C1865371, MONDO:0011225, OMIM 602450.

Submission:

Labcorp Genetics (formerly Invitae), Labcorp
Classification: Pathogenic for Athabaskan severe combined immunodeficiency. Last evaluated: 2023-02-11. Review status: criteria provided, single submitter. Criteria: Invitae Variant Classification Sherloc (09022015). Collection method: clinical testing. Allele origin: germline.
Comment: For these reasons, this variant has been classified as Pathogenic. This sequence change creates a premature translational stop signal (p.Trp489*) in the DCLRE1C gene. While this is not anticipated to result in nonsense mediated decay, it is expected to disrupt the last 204 amino acid(s) of the DCLRE1C protein. This variant is not present in population databases (gnomAD no frequency). This variant has not been reported in the literature in individuals affected with DCLRE1C-related conditions. This variant disrupts a region of the DCLRE1C protein in which other variant(s) (p.Thr557Asnfs*21) have been determined to be pathogenic (PMID: 26476407). This suggests that this is a clinically significant region of the protein, and that variants that disrupt it are likely to be disease-causing.

Literature cited by the submitters: PubMed 26476407.

NM_001033855.3(DCLRE1C):c.1467_1468del (p.Trp489_Glu490delinsTer)

Gene: DCLRE1C (DNA cross-link repair 1C; minus strand). Cytogenetic location: 10p13.
Variant type: Deletion.
Coding change: c.1467_1468del on transcript NM_001033855.3 (MANE Select); coding-DNA positions 1467 to 1468, 2 bases deleted (GG; older notation c.1467_1468delGG).
Protein change: p.Trp489_Glu490delinsTer.
Molecular consequence: nonsense. On other transcripts: non-coding transcript variant (4).
Genome position (GRCh38, 1-based): chr10:14,909,019-14,909,020, CC deleted on the plus strand (GG on the coding strand, the reverse complement: DCLRE1C is on the minus strand); deleting any 2 consecutive bases within chr10:14,909,019-14,909,021 gives the same sequence; the c. name uses the placement nearest the transcript's 3' end. VCF-style (leftmost placement, unchanged base first): chr10-14909018-TCC-T. GRCh37 (hg19) VCF-style: chr10-14951017-TCC-T.
Other names: c.1107_1108del, p.Trp369_Glu370delinsTer (NM_001033857.3, NM_001033858.3, NM_001289077.2 and 2 more transcripts); c.1122_1123del, p.Trp374_Glu375delinsTer (NM_001289076.2, NM_001289078.2, NM_001350966.2 and 1 more transcripts); c.1467_1468del, p.Trp489_Glu490delinsTer (NM_001350965.2).
Identifiers: ClinVar variation 2836350 (VCV002836350.3), dbSNP rs2491631105, ClinGen allele CA2739265293.